The following is an entry in ClinVar:

ClinVar aggregate classification (germline): Conflicting classifications of pathogenicity. Review status: criteria provided, conflicting classifications (1 of 4 stars). 2 submissions from 2 submitters: Likely pathogenic (1); Uncertain significance (1). Last evaluated 2017-08-29.

Conditions:
Hereditary cancer-predisposing syndrome. Also called: Hereditary Cancer Syndrome; Hereditary neoplastic syndrome; Neoplastic Syndromes, Hereditary; Tumor predisposition. Identifiers: Orphanet 140162, MedGen C0027672, MeSH D009386, MONDO:0015356.

Allele frequency attached by ClinVar (database versions not stated): gnomAD 0.00001.

Submissions (2):

Ambry Genetics
Classification: Likely pathogenic for Hereditary cancer-predisposing syndrome. Last evaluated: 2017-08-29. Review status: criteria provided, single submitter. Criteria: Ambry Variant Classification Scheme 2023. Collection method: clinical testing. Allele origin: germline.
Comment: The p.L139F variant (also known as c.415C>T), located in coding exon 4 of the SDHB gene, results from a C to T substitution at nucleotide position 415. The leucine at codon 139 is replaced by phenylalanine, an amino acid with highly similar properties. This amino acid position is highly conserved in available vertebrate species. In addition, this alteration is predicted to be deleterious by in silico analysis. Based on the majority of available evidence to date, this variant is likely to be pathogenic.

Laboratory for Molecular Medicine, Mass General Brigham Personalized Medicine
Classification: Uncertain significance. Last evaluated: 2013-01-29. Review status: criteria provided, single submitter. Criteria: LMM Criteria. Collection method: clinical testing. Allele origin: germline. Observed: 1 variant allele.
Comment: The Leu139Phe variant in SDHB has not been previously identified in the literatu re or by our laboratory. This variant has not been identified in large and broad European American and African American populations by the NHLBI Exome Sequencin g Project, though it may be common in other populations. Computational analyses (biochemical amino acid properties, conserva tion, AlignGVGD, PolyPhen2, and SIFT) suggest that the Leu139Phe variant may imp act the protein, though this information is not predictive enough to determine p athogenicity. In summary, additional information is needed to fully assess the c linical significance of the Leu139Phe variant.

Literature cited by the submitters: PubMed 27279923 (cited by Ambry Genetics).

NM_003000.3(SDHB):c.415C>T (p.Leu139Phe)

Gene: SDHB (succinate dehydrogenase complex iron sulfur subunit B; minus strand). Cytogenetic location: 1p36.13.
Variant type: single nucleotide variant.
Coding change: c.415C>T on transcript NM_003000.3 (MANE Select); coding-DNA position 415, C replaced by T.
Protein change: p.Leu139Phe; replaces leucine 139 with phenylalanine.
Molecular consequence: missense variant.
Genome position (GRCh38, 1-based): chr1:17,028,608, G>A on the plus strand (C>T on the coding strand, the complement: SDHB is on the minus strand). VCF-style: chr1-17028608-G-A. GRCh37 (hg19) VCF-style: chr1-17355103-G-A.
Other names: short protein forms L139F.
Identifiers: ClinVar variation 44643 (VCV000044643.9), dbSNP rs397516834, ClinGen allele CA015845.